The following is an entry in ClinVar:

ClinVar aggregate classification (germline): Uncertain significance (1 of 4 stars; one submission).

Conditions:
Inborn genetic diseases. Identifiers: MedGen C0950123, MeSH D030342.

gnomAD v4.1: 1 of 1,613,562 alleles (0.000062%); highest among the groups gnomAD compares: Admixed American, 0.0017%; no homozygotes.

Submission:

Ambry Genetics
Classification: Uncertain significance for Inborn genetic diseases. Last evaluated: 2025-01-10. Review status: criteria provided, single submitter. Criteria: Ambry Variant Classification Scheme 2023. Collection method: clinical testing. Allele origin: germline.
Comment: The p.S694Y variant (also known as c.2081C>A), located in coding exon 1 of the SAMD9L gene, results from a C to A substitution at nucleotide position 2081. The serine at codon 694 is replaced by tyrosine, an amino acid with dissimilar properties. This amino acid position is conserved. In addition, this alteration is predicted to be tolerated by in silico analysis. Based on the available evidence, the clinical significance of this variant remains unclear.

NM_152703.5(SAMD9L):c.2081C>A (p.Ser694Tyr)

Gene: SAMD9L (sterile alpha motif domain containing 9 like; minus strand). Cytogenetic location: 7q21.2.
Variant type: single nucleotide variant.
Coding change: c.2081C>A on transcript NM_152703.5 (MANE Select); coding-DNA position 2081, C replaced by A.
Protein change: p.Ser694Tyr; replaces serine 694 with tyrosine.
Molecular consequence: missense variant.
Genome position (GRCh38, 1-based): chr7:93,133,891, G>T on the plus strand (C>A on the coding strand, the complement: SAMD9L is on the minus strand). VCF-style: chr7-93133891-G-T. GRCh37 (hg19) VCF-style: chr7-92763204-G-T.
Other names: c.2081C>A, p.Ser694Tyr (NM_001303496.3, NM_001303497.3, NM_001303498.3 and 5 more transcripts); short protein forms S694Y.
Identifiers: ClinVar variation 3792297 (VCV003792297.1).